The following is an entry in ClinVar:

ClinVar aggregate classification (germline): Conflicting classifications of pathogenicity. Review status: criteria provided, conflicting classifications (1 of 4 stars). 5 submissions from 5 submitters: Uncertain significance (2); Benign (1); Likely benign (1). 1 of the submissions does not count toward it. Last evaluated 2026-01-26.

Conditions:
Nemaline myopathy 2 (NEM2). Also called: Nemaline myopathy 2, autosomal recessive. Identifiers: MedGen C1850569, MONDO:0009725, OMIM 256030.
Inborn genetic diseases. Identifiers: MedGen C0950123, MeSH D030342.
NEB-related disorder. Also called: NEB-related condition; NEB-Related Disorders.

Allele frequency attached by ClinVar (database versions not stated): 1000 Genomes Project 30x 0.00016; 1000 Genomes Project 0.00020; gnomAD 0.00027 and 0.00028; TOPMed 0.00057; ExAC 0.00087; gnomAD exomes 0.00094.
gnomAD v4.1: 304 of 1,610,212 alleles (0.019%); highest among the groups gnomAD compares: Admixed American, 0.48%; 2 homozygotes.

Submissions (5):

Labcorp Genetics (formerly Invitae), Labcorp
Classification: Benign for Nemaline myopathy 2. Last evaluated: 2026-01-26. Review status: criteria provided, single submitter. Criteria: Invitae Variant Classification Sherloc (09022015). Collection method: clinical testing. Allele origin: germline.

Ambry Genetics
Classification: Uncertain significance for Inborn genetic diseases. Last evaluated: 2025-11-20. Review status: criteria provided, single submitter. Criteria: Ambry Variant Classification Scheme 2023. Collection method: clinical testing. Allele origin: germline.

Revvity Omics, Revvity
Classification: Uncertain significance. Last evaluated: 2024-03-05. Review status: criteria provided, single submitter. Criteria: ACMG Guidelines, 2015. Collection method: clinical testing. Allele origin: germline.

GeneDx
Classification: Likely benign. Last evaluated: 2019-08-05. Review status: criteria provided, single submitter. Criteria: GeneDx Variant Classification Process June 2021. Collection method: clinical testing. Allele origin: germline. Affected: yes.

PreventionGenetics, part of Exact Sciences
Classification: Likely benign for NEB-related condition. Last evaluated: 2020-10-13. Review status: no assertion criteria provided. Collection method: clinical testing. Allele origin: germline. Not counted in ClinVar's aggregate classification.
Comment: This variant is classified as likely benign based on ACMG/AMP sequence variant interpretation guidelines (Richards et al. 2015 PMID: 25741868, with internal and published modifications).

NM_001164508.2(NEB):c.21838G>A (p.Asp7280Asn)

Genes: NEB (nebulin; minus strand), RIF1 (replication timing regulatory factor 1; plus strand). Cytogenetic location: 2q23.3.
Variant type: single nucleotide variant.
Coding change: c.21838G>A on transcript NM_001164508.2 (MANE Select); coding-DNA position 21838, G replaced by A.
Protein change: p.Asp7280Asn; replaces aspartic acid 7280 with asparagine.
Molecular consequence: missense variant.
Genome position (GRCh38, 1-based): chr2:151,527,483, C>T on the plus strand (G>A on the coding strand, the complement: NEB is on the minus strand). VCF-style: chr2-151527483-C-T. GRCh37 (hg19) VCF-style: chr2-152383997-C-T.
Other names: c.21838G>A, p.Asp7280Asn (NM_001164507.2); c.21943G>A, p.Asp7315Asn (NM_001271208.2); c.16735G>A, p.Asp5579Asn (NM_004543.5); c.16735G>A (NM_004543.4); short protein forms D7315N, D5579N, D7280N.
Identifiers: ClinVar variation 465556 (VCV000465556.21), dbSNP rs200945025, ClinGen allele CA1906867.